The following is an entry in ClinVar:

ClinVar aggregate classification (germline): Uncertain significance (1 of 4 stars; one submission).

gnomAD v4.1: 1 of 1,613,748 alleles (0.000062%); highest among the groups gnomAD compares: Non-Finnish European, 0.000085%; no homozygotes.

Submission:

Labcorp Genetics (formerly Invitae), Labcorp
Classification: Uncertain significance. Last evaluated: 2022-06-22. Review status: criteria provided, single submitter. Criteria: Invitae Variant Classification Sherloc (09022015). Collection method: clinical testing. Allele origin: germline.
Comment: In summary, the available evidence is currently insufficient to determine the role of this variant in disease. Therefore, it has been classified as a Variant of Uncertain Significance. Advanced modeling of protein sequence and biophysical properties (such as structural, functional, and spatial information, amino acid conservation, physicochemical variation, residue mobility, and thermodynamic stability) performed at Invitae indicates that this missense variant is not expected to disrupt ECHS1 protein function. This variant has not been reported in the literature in individuals affected with ECHS1-related conditions. This variant is not present in population databases (gnomAD no frequency). This sequence change replaces threonine, which is neutral and polar, with serine, which is neutral and polar, at codon 124 of the ECHS1 protein (p.Thr124Ser).

NM_004092.4(ECHS1):c.371C>G (p.Thr124Ser)

Gene: ECHS1 (enoyl-CoA hydratase, short chain 1; minus strand). Cytogenetic location: 10q26.3.
Variant type: single nucleotide variant.
Coding change: c.371C>G on transcript NM_004092.4 (MANE Select); coding-DNA position 371, C replaced by G.
Protein change: p.Thr124Ser; replaces threonine 124 with serine.
Molecular consequence: missense variant.
Genome position (GRCh38, 1-based): chr10:133,369,947, G>C on the plus strand (C>G on the coding strand, the complement: ECHS1 is on the minus strand). VCF-style: chr10-133369947-G-C. GRCh37 (hg19) VCF-style: chr10-135183451-G-C.
Other names: short protein forms T124S.
Identifiers: ClinVar variation 1374090 (VCV001374090.6), dbSNP rs144111890, ClinGen allele CA378821439.